The following is an entry in ClinVar:

NM_030956.4(TLR10):c.287A>G (p.Lys96Arg)

Gene: TLR10 (toll like receptor 10; minus strand). Cytogenetic location: 4p14.
Variant type: single nucleotide variant.
Coding change: c.287A>G on transcript NM_030956.4 (MANE Select); coding-DNA position 287, A replaced by G.
Protein change: p.Lys96Arg; replaces lysine 96 with arginine.
Molecular consequence: missense variant.
Genome position (GRCh38, 1-based): chr4:38,775,304, T>C on the plus strand (A>G on the coding strand, the complement: TLR10 is on the minus strand). VCF-style: chr4-38775304-T-C. GRCh37 (hg19) VCF-style: chr4-38776925-T-C.
Other names: c.287A>G, p.Lys96Arg (NM_001017388.3, NM_001195106.2, NM_001195107.2); c.245A>G, p.Lys82Arg (NM_001195108.2); short protein forms K82R, K96R.
Identifiers: ClinVar variation 2654724 (VCV002654724.24), dbSNP rs138645932, ClinGen allele CA2889113.

ClinVar aggregate classification (germline): Likely benign (1 of 4 stars; one submission).

Allele frequency attached by ClinVar (database versions not stated): 1000 Genomes Project 30x 0.00109; 1000 Genomes Project 0.00120; TOPMed 0.00298; ESP Exome Variant Server 0.00308; gnomAD 0.00322; gnomAD exomes 0.00393; ExAC 0.00420.
gnomAD v4.1: 6,188 of 1,614,114 alleles (0.38%); highest among the groups gnomAD compares: Non-Finnish European, 0.47%; 17 homozygotes.

Submission:

CeGaT Center for Human Genetics Tuebingen
Classification: Likely benign. Last evaluated: 2022-12-01. Review status: criteria provided, single submitter. Criteria: CeGaT Center For Human Genetics Tuebingen Variant Classification Criteria Version 2. Collection method: clinical testing. Allele origin: germline. Affected: yes. Observed: 1 variant allele.
Comment: TLR10: BP4, BS2